The following is an entry in ClinVar:

ClinVar aggregate classification (germline): Pathogenic. Review status: criteria provided, single submitter (1 of 4 stars). 2 submissions from 2 submitters: Pathogenic (1). 1 of the submissions does not count toward it. Last evaluated 2014-07-01.

Conditions:
Hyperlipoproteinemia, type 1D. Also called: Hyperlipoproteinemia, type ID. Identifiers: Orphanet 444490, Orphanet 535458, MedGen C4014767, MONDO:0014412, OMIM 615947.

Submissions (2):

Lupski Lab, Baylor-Hopkins CMG, Baylor College of Medicine
Classification: Pathogenic for Hyperlipoproteinemia, type 1D. Last evaluated: 2014-07-01. Review status: criteria provided, single submitter. Criteria: Gonzaga-Jauregui et al (J Pediatr Gastroenterol Nutr. 2014). Collection method: research. Allele origin: germline. Inheritance: Autosomal recessive inheritance. Affected: yes and no. Observed: 2 variant alleles, 1 heterozygote, 1 compound heterozygote.

OMIM
Classification: Pathogenic for HYPERLIPOPROTEINEMIA, TYPE ID. Last evaluated: 2014-03-06. Review status: no assertion criteria provided. Collection method: literature only. Allele origin: germline. Not counted in ClinVar's aggregate classification.

Literature cited by the submitters: PubMed 19304573 (cited by Lupski Lab, Baylor-Hopkins CMG, Baylor College of Medicine); PubMed 21816778 (cited by Lupski Lab, Baylor-Hopkins CMG, Baylor College of Medicine); PubMed 20124439 (cited by Lupski Lab, Baylor-Hopkins CMG, Baylor College of Medicine); PubMed 24614124 (cited by OMIM).

NM_178172.6(GPIHBP1):c.417_433del (p.Pro140fs)

Gene: GPIHBP1 (glycosylphosphatidylinositol anchored high density lipoprotein binding protein 1; plus strand). Cytogenetic location: 8q24.3.
Variant type: Deletion.
Coding change: c.417_433del on transcript NM_178172.6 (MANE Select); coding-DNA positions 417 to 433, 17 bases deleted (ACCCTGGCAAAGCTCCC).
Protein change: p.Pro140fs; shifts the reading frame from proline 140.
Molecular consequence: frameshift variant. On other transcripts: intron variant (1).
Genome position (GRCh38, 1-based): chr8:143,215,380-143,215,396, ACCCTGGCAAAGCTCCC deleted; deleting any 17 consecutive bases within chr8:143,215,376-143,215,396 gives the same sequence; the c. name uses the placement nearest the transcript's 3' end. VCF-style (leftmost placement, unchanged base first): chr8-143215375-GTCCCACCCTGGCAAAGC-G. GRCh37 (hg19) VCF-style: chr8-144297250-GTCCCACCCTGGCAAAGC-G.
Other names: c.375+42_375+58del (NM_001301772.2); short protein forms P140fs.
Identifiers: ClinVar variation 144019 (VCV000144019.3), dbSNP rs587777642, ClinGen allele CA215034.